The following is an entry in ClinVar:

NM_005045.4(RELN):c.7669G>A (p.Gly2557Ser)

Gene: RELN (reelin; minus strand). Cytogenetic location: 7q22.1.
Variant type: single nucleotide variant.
Coding change: c.7669G>A on transcript NM_005045.4 (MANE Select); coding-DNA position 7669, G replaced by A.
Protein change: p.Gly2557Ser; replaces glycine 2557 with serine.
Molecular consequence: missense variant.
Genome position (GRCh38, 1-based): chr7:103,519,516, C>T on the plus strand (G>A on the coding strand, the complement: RELN is on the minus strand). VCF-style: chr7-103519516-C-T. GRCh37 (hg19) VCF-style: chr7-103159963-C-T.
Other names: c.7669G>A, p.Gly2557Ser (NM_173054.3); short protein forms G2557S.
Identifiers: ClinVar variation 1004164 (VCV001004164.8), dbSNP rs560581732, ClinGen allele CA163927490.

ClinVar aggregate classification (germline): Uncertain significance (1 of 4 stars; one submission).

Conditions:
Familial temporal lobe epilepsy 7. Identifiers: Orphanet 101046, MedGen C4225327, MONDO:0014639, OMIM 616436.
Norman-Roberts syndrome (LIS2). Also called: Lissencephaly 2 (Norman-Roberts type). Identifiers: Orphanet 89844, MedGen C0796089, MONDO:0009760, OMIM 257320.

Allele frequency attached by ClinVar (database versions not stated): gnomAD exomes below 0.00001; gnomAD 0.00001.
gnomAD v4.1: 2 of 1,604,672 alleles (0.00012%); highest among the groups gnomAD compares: Non-Finnish European, 0.00017%; no homozygotes.

Submission:

Labcorp Genetics (formerly Invitae), Labcorp
Classification: Uncertain significance for Familial temporal lobe epilepsy 7; Norman-Roberts syndrome. Last evaluated: 2020-10-09. Review status: criteria provided, single submitter. Criteria: Invitae Variant Classification Sherloc (09022015). Collection method: clinical testing. Allele origin: germline.
Comment: In summary, the available evidence is currently insufficient to determine the role of this variant in disease. Therefore, it has been classified as a Variant of Uncertain Significance. Algorithms developed to predict the effect of missense changes on protein structure and function are either unavailable or do not agree on the potential impact of this missense change (SIFT: "Deleterious"; PolyPhen-2: "Probably Damaging"; Align-GVGD: "Class C0"). This variant has not been reported in the literature in individuals with RELN-related conditions. This variant is not present in population databases (ExAC no frequency). This sequence change replaces glycine with serine at codon 2557 of the RELN protein (p.Gly2557Ser). The glycine residue is highly conserved and there is a small physicochemical difference between glycine and serine.